The following is an entry in ClinVar:

ClinVar aggregate classification (germline): Likely benign (1 of 4 stars; one submission).

Conditions:
Shprintzen-Goldberg syndrome (SGS). Also called: SHPRINTZEN-GOLDBERG CRANIOSYNOSTOSIS SYNDROME; CRANIOSYNOSTOSIS WITH ARACHNODACTYLY AND ABDOMINAL HERNIAS; Marfanoid disorder with craniosynostosis type 1; Marfanoid craniosynostosis syndrome; Shprintzen-Goldberg marfanoid syndrome. Identifiers: Orphanet 2462, MedGen C1321551, MONDO:0008426, OMIM 182212.

Submission:

Institute of Human Genetics, University of Leipzig Medical Center
Classification: Likely benign for Shprintzen-Goldberg syndrome. Last evaluated: 2022-03-09. Review status: criteria provided, single submitter. Criteria: ACMG Guidelines, 2015. Collection method: clinical testing. Allele origin: maternal. Affected: yes.
Comment: Criteria applied: PM2_SUP, PP3, BS

NM_003036.4(SKI):c.486A>C (p.Lys162Asn)

Gene: SKI (SKI proto-oncogene; plus strand). Cytogenetic location: 1p36.33.
Variant type: single nucleotide variant.
Coding change: c.486A>C on transcript NM_003036.4 (MANE Select); coding-DNA position 486, A replaced by C.
Protein change: p.Lys162Asn; replaces lysine 162 with asparagine.
Molecular consequence: missense variant.
Genome position (GRCh38, 1-based): chr1:2,229,252, A>C. VCF-style: chr1-2229252-A-C. GRCh37 (hg19) VCF-style: chr1-2160691-A-C.
Other names: short protein forms K162N.
Identifiers: ClinVar variation 3358973 (VCV003358973.2).